The following is an entry in ClinVar:

NM_177438.3(DICER1):c.4300dup (p.Glu1434fs)

Gene: DICER1 (dicer 1, ribonuclease III; minus strand). Cytogenetic location: 14q32.13.
Variant type: Duplication.
Coding change: c.4300dup on transcript NM_177438.3 (MANE Select); coding-DNA position 4300, one base duplicated (G; older notation c.4300dupG).
Protein change: p.Glu1434fs; shifts the reading frame from glutamic acid 1434.
Molecular consequence: frameshift variant. On other transcripts: non-coding transcript variant (6).
Genome position (GRCh38, 1-based): chr14:95,096,620, C duplicated on the plus strand (G on the coding strand, the reverse complement: DICER1 is on the minus strand); the first of 2 consecutive C bases (chr14:95,096,620-95,096,621); duplicating either gives the same sequence. VCF-style (leftmost placement, unchanged base first): chr14-95096619-T-TC. GRCh37 (hg19) VCF-style: chr14-95562956-T-TC.
Other names: c.4300dup, p.Glu1434fs (NM_001291628.2, NM_001395677.1, NM_001395678.1 and 12 more transcripts); c.4018dup, p.Glu1340fs (NM_001395686.1); c.3895dup, p.Glu1299fs (NM_001395687.1, NM_001395688.1, NM_001395689.1 and 2 more transcripts); c.2617dup, p.Glu873fs (NM_001395697.1); c.3733dup, p.Glu1245fs (NM_001395691.1); short protein forms E1340fs, E1245fs, E1434fs, E873fs, E1299fs.
Identifiers: ClinVar variation 4712127 (VCV004712127.1).

ClinVar aggregate classification (germline): Pathogenic (1 of 4 stars; one submission).

Conditions:
DICER1-related tumor predisposition. Also called: DICER1 syndrome; DICER1-related pleuropulmonary blastoma cancer predisposition syndrome. Identifiers: Orphanet 284343, MedGen C3839822, MONDO:0100216.

Submission:

Labcorp Genetics (formerly Invitae), Labcorp
Classification: Pathogenic for DICER1-related tumor predisposition. Last evaluated: 2025-05-28. Review status: criteria provided, single submitter. Criteria: Invitae Variant Classification Sherloc (09022015). Collection method: clinical testing. Allele origin: germline.
Comment: This sequence change creates a premature translational stop signal (p.Glu1434Glyfs*4) in the DICER1 gene. It is expected to result in an absent or disrupted protein product. Loss-of-function variants in DICER1 are known to be pathogenic (PMID: 19556464, 21266384). This variant is not present in population databases (gnomAD no frequency). This variant has not been reported in the literature in individuals affected with DICER1-related conditions. For these reasons, this variant has been classified as Pathogenic.

Literature cited by the submitters: PubMed 19556464; PubMed 21266384.